The following is an entry in ClinVar:

NM_004145.4(MYO9B):c.3443G>A (p.Arg1148His)

Gene: MYO9B (myosin IXB; plus strand). Cytogenetic location: 19p13.11.
Variant type: single nucleotide variant.
Coding change: c.3443G>A on transcript NM_004145.4 (MANE Select); coding-DNA position 3443, G replaced by A.
Protein change: p.Arg1148His; replaces arginine 1148 with histidine.
Molecular consequence: missense variant.
Genome position (GRCh38, 1-based): chr19:17,194,870, G>A. VCF-style: chr19-17194870-G-A. GRCh37 (hg19) VCF-style: chr19-17305679-G-A.
Other names: c.3443G>A, p.Arg1148His (NM_001130065.2); short protein forms R1148H.
Identifiers: ClinVar variation 3049209 (VCV003049209.2), dbSNP rs181046385, ClinGen allele CA9287858.

ClinVar aggregate classification (germline): Likely benign (0 of 4 stars; one submission).

Conditions:
MYO9B-related disorder. Also called: MYO9B-related condition.

Allele frequency attached by ClinVar (database versions not stated): ESP Exome Variant Server 0.00155; gnomAD 0.00179; 1000 Genomes Project 0.00180; 1000 Genomes Project 30x 0.00187; TOPMed 0.00190; ExAC 0.00191; gnomAD exomes 0.00206.
gnomAD v4.1: 3,313 of 1,613,314 alleles (0.21%); highest among the groups gnomAD compares: Middle Eastern, 1.1%; 6 homozygotes.

Submission:

PreventionGenetics, part of Exact Sciences
Classification: Likely benign for MYO9B-related condition. Last evaluated: 2022-02-10. Review status: no assertion criteria provided. Collection method: clinical testing. Allele origin: germline.
Comment: This variant is classified as likely benign based on ACMG/AMP sequence variant interpretation guidelines (Richards et al. 2015 PMID: 25741868, with internal and published modifications).